The following is an entry in ClinVar:

NM_001145809.2(MYH14):c.5330A>G (p.Asn1777Ser)

Gene: MYH14 (myosin heavy chain 14; plus strand). Cytogenetic location: 19q13.33.
Variant type: single nucleotide variant.
Coding change: c.5330A>G on transcript NM_001145809.2 (MANE Select); coding-DNA position 5330, A replaced by G.
Protein change: p.Asn1777Ser; replaces asparagine 1777 with serine.
Molecular consequence: missense variant.
Genome position (GRCh38, 1-based): chr19:50,293,306, A>G. VCF-style: chr19-50293306-A-G. GRCh37 (hg19) VCF-style: chr19-50796563-A-G.
Other names: c.5231A>G, p.Asn1744Ser (NM_001077186.2); c.5207A>G, p.Asn1736Ser (NM_024729.4); short protein forms N1736S, N1744S, N1777S.
Identifiers: ClinVar variation 4781624 (VCV004781624.1).

ClinVar aggregate classification (germline): Uncertain significance (1 of 4 stars; one submission).

gnomAD v4.1: 42 of 1,606,412 alleles (0.0026%); highest among the groups gnomAD compares: South Asian, 0.0056%; no homozygotes.

Submission:

Labcorp Genetics (formerly Invitae), Labcorp
Classification: Uncertain significance. Last evaluated: 2025-10-02. Review status: criteria provided, single submitter. Criteria: Invitae Variant Classification Sherloc (09022015). Collection method: clinical testing. Allele origin: germline.
Comment: This sequence change replaces asparagine, which is neutral and polar, with serine, which is neutral and polar, at codon 1736 of the MYH14 protein (p.Asn1736Ser). This variant is present in population databases (rs756329020, gnomAD 0.004%). This variant has not been reported in the literature in individuals affected with MYH14-related conditions. Invitae Evidence Modeling of protein sequence and biophysical properties (such as structural, functional, and spatial information, amino acid conservation, physicochemical variation, residue mobility, and thermodynamic stability) indicates that this missense variant is not expected to disrupt MYH14 protein function with a negative predictive value of 80%. In summary, the available evidence is currently insufficient to determine the role of this variant in disease. Therefore, it has been classified as a Variant of Uncertain Significance.